The following is an entry in ClinVar:

ClinVar aggregate classification (germline): Uncertain significance (1 of 4 stars; one submission).

Allele frequency attached by ClinVar (database versions not stated): TOPMed below 0.00001; gnomAD 0.00001.

Submission:

Labcorp Genetics (formerly Invitae), Labcorp
Classification: Uncertain significance. Last evaluated: 2022-10-17. Review status: criteria provided, single submitter. Criteria: Invitae Variant Classification Sherloc (09022015). Collection method: clinical testing. Allele origin: germline.
Comment: This sequence change replaces methionine, which is neutral and non-polar, with threonine, which is neutral and polar, at codon 1615 of the LRP2 protein (p.Met1615Thr). This variant is present in population databases (no rsID available, gnomAD 0.007%). This variant has not been reported in the literature in individuals affected with LRP2-related conditions. Algorithms developed to predict the effect of missense changes on protein structure and function output the following: SIFT: "Tolerated"; PolyPhen-2: "Benign"; Align-GVGD: "Class C0". The threonine amino acid residue is found in multiple mammalian species, which suggests that this missense change does not adversely affect protein function. In summary, the available evidence is currently insufficient to determine the role of this variant in disease. Therefore, it has been classified as a Variant of Uncertain Significance.

NM_004525.3(LRP2):c.4844T>C (p.Met1615Thr)

Gene: LRP2 (LDL receptor related protein 2; minus strand). Cytogenetic location: 2q31.1.
Variant type: single nucleotide variant.
Coding change: c.4844T>C on transcript NM_004525.3 (MANE Select); coding-DNA position 4844, T replaced by C.
Protein change: p.Met1615Thr; replaces methionine 1615 with threonine.
Molecular consequence: missense variant.
Genome position (GRCh38, 1-based): chr2:169,235,916, A>G on the plus strand (T>C on the coding strand, the complement: LRP2 is on the minus strand). VCF-style: chr2-169235916-A-G. GRCh37 (hg19) VCF-style: chr2-170092426-A-G.
Other names: short protein forms M1615T.
Identifiers: ClinVar variation 2111452 (VCV002111452.1), dbSNP rs1428373934, ClinGen allele CA349142312.